The following is an entry in ClinVar:

ClinVar aggregate classification (germline): Uncertain significance (1 of 4 stars; one submission).

Conditions:
Kabuki syndrome. Also called: Kabuki make-up syndrome; NIIKAWA-KUROKI SYNDROME. Identifiers: Orphanet 2322, MedGen C0796004, MONDO:0016512.

Allele frequency attached by ClinVar (database versions not stated): TOPMed below 0.00001.

Submission:

Labcorp Genetics (formerly Invitae), Labcorp
Classification: Uncertain significance for Kabuki syndrome. Last evaluated: 2022-05-06. Review status: criteria provided, single submitter. Criteria: Invitae Variant Classification Sherloc (09022015). Collection method: clinical testing. Allele origin: germline.
Comment: In summary, the available evidence is currently insufficient to determine the role of this variant in disease. Therefore, it has been classified as a Variant of Uncertain Significance. This sequence change replaces proline, which is neutral and non-polar, with alanine, which is neutral and non-polar, at codon 601 of the KMT2D protein (p.Pro601Ala). This variant is not present in population databases (gnomAD no frequency). This variant has not been reported in the literature in individuals affected with KMT2D-related conditions. Advanced modeling of protein sequence and biophysical properties (such as structural, functional, and spatial information, amino acid conservation, physicochemical variation, residue mobility, and thermodynamic stability) performed at Invitae indicates that this missense variant is not expected to disrupt KMT2D protein function.

NM_003482.4(KMT2D):c.1801C>G (p.Pro601Ala)

Gene: KMT2D (lysine methyltransferase 2D; minus strand). Cytogenetic location: 12q13.12.
Variant type: single nucleotide variant.
Coding change: c.1801C>G on transcript NM_003482.4 (MANE Select); coding-DNA position 1801, C replaced by G.
Protein change: p.Pro601Ala; replaces proline 601 with alanine.
Molecular consequence: missense variant.
Genome position (GRCh38, 1-based): chr12:49,051,882, G>C on the plus strand (C>G on the coding strand, the complement: KMT2D is on the minus strand). VCF-style: chr12-49051882-G-C. GRCh37 (hg19) VCF-style: chr12-49445665-G-C.
Other names: short protein forms P601A.
Identifiers: ClinVar variation 1980726 (VCV001980726.4), dbSNP rs1938068696, ClinGen allele CA384670246.